The following is an entry in ClinVar:

NM_000179.3(MSH6):c.3215G>A (p.Gly1072Asp)

Gene: MSH6 (mutS homolog 6; plus strand). Cytogenetic location: 2p16.3.
Variant type: single nucleotide variant.
Coding change: c.3215G>A on transcript NM_000179.3 (MANE Select); coding-DNA position 3215, G replaced by A.
Protein change: p.Gly1072Asp; replaces glycine 1072 with aspartic acid.
Molecular consequence: missense variant.
Genome position (GRCh38, 1-based): chr2:47,803,462, G>A. VCF-style: chr2-47803462-G-A. GRCh37 (hg19) VCF-style: chr2-48030601-G-A.
Other names: c.2825G>A, p.Gly942Asp (NM_001281492.2); c.2309G>A, p.Gly770Asp (NM_001281493.2, NM_001281494.2); short protein forms G1072D, G942D, G770D.
Identifiers: ClinVar variation 234031 (VCV000234031.38), dbSNP rs781243845, ClinGen allele CA10578133.

ClinVar aggregate classification (germline): Conflicting classifications of pathogenicity. Review status: criteria provided, conflicting classifications (1 of 4 stars). 7 submissions from 7 submitters: Uncertain significance (6); Benign (1). Last evaluated 2026-02-03.

Conditions:
Endometrial carcinoma. Also called: Endometrial carcinoma, somatic. Identifiers: MedGen C0476089, MONDO:0002447, OMIM 608089, HP:0012114.
Hereditary nonpolyposis colorectal neoplasms. Identifiers: MedGen C0009405, MeSH D003123.
Lynch syndrome 5 (LYNCH5). Also called: Colorectal cancer, hereditary nonpolyposis, type 5; Hereditary non-polyposis colorectal cancer, type 5. Identifiers: Orphanet 144, MedGen C1833477, MONDO:0013710, OMIM 614350. Disease mechanism: loss of function.
Hereditary cancer-predisposing syndrome. Also called: Neoplastic Syndromes, Hereditary; Tumor predisposition; Hereditary Cancer Syndrome; Hereditary neoplastic syndrome. Identifiers: Orphanet 140162, MedGen C0027672, MeSH D009386, MONDO:0015356.
Lynch syndrome. Identifiers: Orphanet 144, MedGen C4552100, MONDO:0005835. Disease mechanism: loss of function.

gnomAD v4.1: 4 of 1,614,036 alleles (0.00025%); highest among the groups gnomAD compares: Non-Finnish European, 0.00025%; no homozygotes.

Submissions (7):

Labcorp Genetics (formerly Invitae), Labcorp
Classification: Benign for Hereditary nonpolyposis colorectal neoplasms. Last evaluated: 2026-02-03. Review status: criteria provided, single submitter. Criteria: Invitae Variant Classification Sherloc (09022015). Collection method: clinical testing. Allele origin: germline.

Color Diagnostics, LLC DBA Color Health
Classification: Uncertain significance for Hereditary cancer-predisposing syndrome. Last evaluated: 2025-12-16. Review status: criteria provided, single submitter. Criteria: ACMG Guidelines, 2015. Collection method: clinical testing. Allele origin: germline.
Comment: This missense variant replaces glycine with aspartic acid at codon 1072 of the MSH6 protein. Computational prediction is inconclusive regarding the impact of this variant on protein structure and function. To our knowledge, functional studies have not been reported for this variant. This variant has been reported in a cohort of individuals affected with pancreatic cancer who had a family history of the disease (PMID: 28726808). This variant has been identified in 4/1614036 chromosomes in the general population by the Genome Aggregation Database (gnomAD). The available evidence is insufficient to determine the role of this variant in disease conclusively. Therefore, this variant is classified as a Variant of Uncertain Significance.

Center for Genomic Medicine, Rigshospitalet, Copenhagen University Hospital
Classification: Uncertain significance. Last evaluated: 2025-03-04. Review status: criteria provided, single submitter. Criteria: ACMG Guidelines, 2015. Collection method: clinical testing. Allele origin: germline.

Ambry Genetics
Classification: Uncertain significance for Hereditary cancer-predisposing syndrome. Last evaluated: 2025-01-20. Review status: criteria provided, single submitter. Criteria: Ambry Variant Classification Scheme 2023. Collection method: clinical testing. Allele origin: germline.
Comment: The p.G1072D variant (also known as c.3215G>A), located in coding exon 5 of the MSH6 gene, results from a G to A substitution at nucleotide position 3215. The glycine at codon 1072 is replaced by aspartic acid, an amino acid with similar properties. This alteration has been identified in 1/302 pancreatic cancer patients with positive family histories (Chaffee KG et al. Genet. Med., 2018 01;20:119-127). This amino acid position is highly conserved in available vertebrate species. In addition, this alteration is predicted to be deleterious by in silico analysis. Since supporting evidence is limited at this time, the clinical significance of this alteration remains unclear.

All of Us Research Program, National Institutes of Health
Classification: Uncertain significance for Lynch syndrome. Last evaluated: 2024-06-09. Review status: criteria provided, single submitter. Criteria: ACMG Guidelines, 2015. Collection method: clinical testing. Allele origin: germline. Inheritance: Autosomal dominant inheritance. Observed: 2 variant alleles, 2 heterozygotes.
Comment: This missense variant replaces glycine with aspartic acid at codon 1072 of the MSH6 protein. Computational prediction is inconclusive regarding the impact of this variant on protein structure and function (internally defined REVEL score threshold 0.5 < inconclusive < 0.7, PMID: 27666373). To our knowledge, functional studies have not been reported for this variant. This variant has been reported in a cohort of individuals affected with pancreatic cancer who had a family history of the disease (PMID: 28726808). This variant has not been identified in the general population by the Genome Aggregation Database (gnomAD). The available evidence is insufficient to determine the role of this variant in disease conclusively. Therefore, this variant is classified as a Variant of Uncertain Significance.

This study involves interpretation of variants in research participants for the purpose of population health screening. Participant phenotype was not available at the time of variant classification. Additional details can be found in publication PMID: 35346344, PMCID: PMC8962531

Baylor Genetics
Classification: Uncertain significance for Endometrial carcinoma. Last evaluated: 2023-08-18. Review status: criteria provided, single submitter. Criteria: ACMG Guidelines, 2015. Collection method: clinical testing. Allele origin: unknown.

Illumina Laboratory Services, Illumina
Classification: Uncertain significance for Lynch syndrome 5. Last evaluated: 2017-04-27. Review status: criteria provided, single submitter. Criteria: ICSL Variant Classification Criteria 13 December 2019. Collection method: clinical testing. Allele origin: germline.

Literature cited by the submitters: PubMed 28726808 (cited by 4 submitters).